The following is an entry in ClinVar:

ClinVar aggregate classification (germline): Conflicting classifications of pathogenicity. Review status: criteria provided, conflicting classifications (1 of 4 stars). 4 submissions from 4 submitters: Uncertain significance (1); Benign (1). 2 of the submissions do not count toward it. Last evaluated 2024-10-05.

Conditions:
TCIRG1-related disorder. Also called: TCIRG1-related condition.
Autosomal recessive osteopetrosis 1. Also called: ALBERS-SCHONBERG DISEASE, AUTOSOMAL RECESSIVE; TCIRG1-Related Osteopetrosis; TCIRG1-Related Autosomal Recessive Osteopetrosis. Identifiers: Orphanet 667, MedGen C1850127, MONDO:0009815, OMIM 259700.

Allele frequency attached by ClinVar (database versions not stated): gnomAD 0.00004 and 0.00008; TOPMed 0.00004; ExAC 0.00032.
gnomAD v4.1: 216 of 1,600,916 alleles (0.013%); highest among the groups gnomAD compares: South Asian, 0.22%; 5 homozygotes.

Submissions (4):

Labcorp Genetics (formerly Invitae), Labcorp
Classification: Benign. Last evaluated: 2024-10-05. Review status: criteria provided, single submitter. Criteria: Invitae Variant Classification Sherloc (09022015). Collection method: clinical testing. Allele origin: germline.

Illumina Laboratory Services, Illumina
Classification: Uncertain significance for Autosomal recessive osteopetrosis 1. Last evaluated: 2018-01-13. Review status: criteria provided, single submitter. Criteria: ICSL Variant Classification Criteria 13 December 2019. Collection method: clinical testing. Allele origin: germline.

PreventionGenetics, part of Exact Sciences
Classification: Likely benign for TCIRG1-related condition. Last evaluated: 2022-02-03. Review status: no assertion criteria provided. Collection method: clinical testing. Allele origin: germline. Not counted in ClinVar's aggregate classification.
Comment: This variant is classified as likely benign based on ACMG/AMP sequence variant interpretation guidelines (Richards et al. 2015 PMID: 25741868, with internal and published modifications).

Natera, Inc.
Classification: Likely benign for Infantile malignant osteopetrosis. Last evaluated: 2019-11-11. Review status: no assertion criteria provided. Collection method: clinical testing. Allele origin: germline. Not counted in ClinVar's aggregate classification.

NM_006019.4(TCIRG1):c.1904C>T (p.Thr635Met)

Gene: TCIRG1 (T cell immune regulator 1, ATPase H+ transporting V0 subunit a3; plus strand). Cytogenetic location: 11q13.2.
Variant type: single nucleotide variant.
Coding change: c.1904C>T on transcript NM_006019.4 (MANE Select); coding-DNA position 1904, C replaced by T.
Protein change: p.Thr635Met; replaces threonine 635 with methionine.
Molecular consequence: missense variant.
Genome position (GRCh38, 1-based): chr11:68,049,679, C>T. VCF-style: chr11-68049679-C-T. GRCh37 (hg19) VCF-style: chr11-67817146-C-T.
Other names: c.1010C>T, p.Thr337Met (NM_001351059.2); c.1256C>T, p.Thr419Met (NM_006053.4); short protein forms T635M, T337M, T419M.
Identifiers: ClinVar variation 305813 (VCV000305813.21), dbSNP rs763119311, ClinGen allele CA6147320.
Genomic context (GRCh38, chr11:68,049,679, plus strand): 5'-TGTGCACAGCAGGGACGCCCTGACTCTCGCCCTCTCCCTGGCAGGAGGTGGTCCAGGCCA[C>T]GCTGGTGGTCCTGGCCTTGGCCATGGTGCCCATCCTGCTGCTTGGCACACCCCTGCACCT-3'
Protein context (NP_006010.2, residues 625-645): LYPRQEVVQA[Thr635Met]LVVLALAMVP